The following is an entry in ClinVar:

ClinVar aggregate classification (germline): Pathogenic/Likely pathogenic. Review status: criteria provided, multiple submitters, no conflicts (2 of 4 stars). 2 submissions from 2 submitters: Pathogenic (1); Likely pathogenic (1). Last evaluated 2023-12-21.

Conditions:
Lateral meningocele syndrome (LMNS). Also called: NOTCH3-Related Lateral Meningocele Syndrome. Identifiers: Orphanet 2789, MedGen C1851710, MONDO:0007537, OMIM 130720.

Submissions (2):

Broad Center for Mendelian Genomics, Broad Institute of MIT and Harvard
Classification: Likely pathogenic for Lateral meningocele syndrome. Last evaluated: 2023-12-21. Review status: criteria provided, single submitter. Criteria: ACMG Guidelines, 2015. Collection method: curation. Allele origin: germline. Inheritance: Autosomal dominant inheritance. Study: GREGoR Consortium.
Comment: Trio exome analysis showed this variant to be de novo. This variant was absent from large population studies. This variant is predicted to cause a frameshift, which alters the protein's amino acid sequence beginning at position 2137 and leads to a premature termination codon 104 amino acids downstream. This termination codon occurs within the last exon and is more likely to escape nonsense mediated decay (NMD) and result in a truncated protein. Truncating variants downstream of this variant (p.Pro2231fsTer11, p.Tyr2244Ter) are pathogenic/likely pathogenic, which implies this region is critical to protein function (PMID: 25394726). In summary, although additional studies are required to fully establish its clinical significance, this variant is likely pathogenic for autosomal dominant lateral meningocele syndrome. ACMG/AMP Criteria applied : PVS1_strong, PS2_supporting, PM2_supporting (Richards 2015).

Victorian Clinical Genetics Services, Murdoch Childrens Research Institute
Classification: Pathogenic for Lateral meningocele syndrome. Last evaluated: 2022-09-02. Review status: criteria provided, single submitter. Criteria: ACMG Guidelines, 2015. Collection method: clinical testing. Allele origin: germline. Inheritance: Autosomal dominant inheritance. Affected: yes.
Comment: Based on the classification scheme VCGS_Germline_v1.3.4, this variant is classified as Pathogenic. Following criteria are met: 0105 - The mechanism of disease for this gene is not clearly established. Both loss of function and dominant negative have been suggested as mechanisms in CADASIL (MIM#125310), however lateral meningocele syndrome (MIM#130720) results from a gain of function (OMIM). (I) 0107 - This gene is associated with autosomal dominant disease. (I) 0205 - Variant is predicted to result in a truncated protein (premature termination codon is NOT located at least 54 nucleotides upstream of the final exon-exon junction) with less than 1/3 of the protein sequence affected. (SP) 0251 - This variant is heterozygous. (I) 0301 - Variant is absent from gnomAD (both v2 and v3). (SP) 0602 - Variant is located in a hotspot region or cluster of pathogenic variants. This variant is located in the C-terminal region. Variants associated with lateral meningocele syndrome cluster in this region (DECIPHER, PMID: 25394726). (SP) 0701 - Other protein truncating variants downstream of the one identified in this case have very strong previous evidence for pathogenicity and have been associated with lateral meningocele syndrome (ClinVar; PMID: 34121137; PMID: 25394726). (SP) 0802 - This variant has moderate previous evidence of pathogenicity in unrelated individuals. This variant has been reported as heterozygous, de novo and likely pathogenic in an individual in DECIPHER with limited phenotypic information provided. It has also been reported as a variant of uncertain significance in LOVD. (SP) Legend: (SP) - Supporting pathogenic, (I) - Information, (SB) - Supporting benign

Literature cited by the submitters: PubMed 25394726 (cited by Victorian Clinical Genetics Services, Murdoch Childrens Research Institute); PubMed 34121137 (cited by Victorian Clinical Genetics Services, Murdoch Childrens Research Institute).

NM_000435.3(NOTCH3):c.6405_6406del (p.Leu2137fs)

Gene: NOTCH3 (notch receptor 3; minus strand). Cytogenetic location: 19p13.12.
Variant type: Microsatellite.
Coding change: c.6405_6406del on transcript NM_000435.3 (MANE Select); coding-DNA positions 6405 to 6406, 2 bases deleted (GT; older notation c.6405_6406delGT).
Protein change: p.Leu2137fs; shifts the reading frame from leucine 2137.
Molecular consequence: frameshift variant.
Genome position (GRCh38, 1-based): chr19:15,161,222-15,161,223, AC deleted on the plus strand (GT on the coding strand, the reverse complement: NOTCH3 is on the minus strand); deleting any 2 consecutive bases within chr19:15,161,222-15,161,225 gives the same sequence; the c. name uses the placement nearest the transcript's 3' end. VCF-style (leftmost placement, unchanged base first): chr19-15161221-GAC-G. GRCh37 (hg19) VCF-style: chr19-15272032-GAC-G.
Other names: NM_000435.3:c.6405_6406del; short protein forms L2137fs.
Identifiers: ClinVar variation 1805968 (VCV001805968.2), dbSNP rs2512609739, ClinGen allele CA2573320540.
Genomic context (GRCh38, chr19:15,161,221, plus strand): 5'-CATCCTCCAGGGGGCTGGCGCCCTAGACCCGCCCGGCCTGGGCCACCAAGCTGTGCCAGA[GAC>G]ACTGCAGTGGCAGTGGCAGCTGCATAGGGCCCCTCAAGGGGGAAGCCACCAGGGGAAGCA-3'